The following is an entry in ClinVar:

ClinVar aggregate classification (germline): Pathogenic (1 of 4 stars; one submission).

Submission:

GeneDx
Classification: Pathogenic. Last evaluated: 2022-02-18. Review status: criteria provided, single submitter. Criteria: GeneDx Variant Classification Process June 2021. Collection method: clinical testing. Allele origin: germline. Affected: yes.
Comment: The majority of missense variants in this gene are considered pathogenic (HGMD); In silico analysis, which includes protein predictors and evolutionary conservation, supports a deleterious effect; Not observed in large population cohorts (gnomAD); This variant is associated with the following publications: (PMID: 28867141, 27334371)

NM_172107.4(KCNQ2):c.1687G>T (p.Asp563Tyr)

Gene: KCNQ2 (potassium voltage-gated channel subfamily Q member 2; minus strand). Cytogenetic location: 20q13.33.
Variant type: single nucleotide variant.
Coding change: c.1687G>T on transcript NM_172107.4 (MANE Select); coding-DNA position 1687, G replaced by T.
Protein change: p.Asp563Tyr; replaces aspartic acid 563 with tyrosine.
Molecular consequence: missense variant.
Genome position (GRCh38, 1-based): chr20:63,413,526, C>A on the plus strand (G>T on the coding strand, the complement: KCNQ2 is on the minus strand). VCF-style: chr20-63413526-C-A. GRCh37 (hg19) VCF-style: chr20-62044879-C-A.
Other names: c.1603G>T, p.Asp535Tyr (NM_004518.6); c.1633G>T, p.Asp545Tyr (NM_172106.3); c.1594G>T, p.Asp532Tyr (NM_172108.5); short protein forms D563Y, D535Y, D545Y, D532Y.
Identifiers: ClinVar variation 429424 (VCV000429424.5), dbSNP rs796052653, ClinGen allele CA409643764.